The following is an entry in ClinVar:

ClinVar aggregate classification (germline): Pathogenic/Likely pathogenic. Review status: criteria provided, multiple submitters, no conflicts (2 of 4 stars). 4 submissions from 4 submitters: Pathogenic (2); Likely pathogenic (1). 1 of the submissions does not count toward it. Last evaluated 2026-07-21.

Conditions:
KCNQ1-related disorder. Also called: KCNQ1-related condition; KCNQ1-related disorders. Identifiers: MedGen CN239322.
Familial long QT syndrome (RWS). Also called: Congenital long QT syndrome; Romano-Ward syndrome; VENTRICULAR FIBRILLATION WITH PROLONGED QT INTERVAL. Identifiers: Orphanet 768, MedGen C1141890, MONDO:0019171.
Long QT syndrome (LQTS). Identifiers: MedGen C0023976, MeSH D008133, MONDO:0002442. Disease mechanism: loss of function. Inheritance: Various modes of inheritance.

Submissions (4):

GeneDx
Classification: Pathogenic. Last evaluated: 2026-07-21. Review status: criteria provided, single submitter. Criteria: GeneDx Variant Classification Process June 2021. Collection method: clinical testing. Allele origin: germline.
Comment: Identified in individuals with LQTS in published literature and reported in ClinVar (PMID: 21185501, 19490272); Not observed at significant frequency in large population cohorts (gnomAD); In silico analysis supports that this missense variant has a deleterious effect on protein structure/function; This variant is associated with the following publications: (PMID: 21185501, 19490272, 41278674)

Labcorp Genetics (formerly Invitae), Labcorp
Classification: Pathogenic for Long QT syndrome. Last evaluated: 2024-12-02. Review status: criteria provided, single submitter. Criteria: Invitae Variant Classification Sherloc (09022015). Collection method: clinical testing. Allele origin: germline.
Comment: This sequence change replaces arginine, which is basic and polar, with serine, which is neutral and polar, at codon 243 of the KCNQ1 protein (p.Arg243Ser). This variant is not present in population databases (gnomAD no frequency). This missense change has been observed in individuals with prolonged QT interval (PMID: 19490272; internal data). ClinVar contains an entry for this variant (Variation ID: 67100). Invitae Evidence Modeling of protein sequence and biophysical properties (such as structural, functional, and spatial information, amino acid conservation, physicochemical variation, residue mobility, and thermodynamic stability) indicates that this missense variant is expected to disrupt KCNQ1 protein function with a positive predictive value of 95%. This variant disrupts the p.Arg243 amino acid residue in KCNQ1. Other variant(s) that disrupt this residue have been determined to be pathogenic (PMID: 10728423, 10973849, 12877697, 14678125, 23400408, 26022593). This suggests that this residue is clinically significant, and that variants that disrupt this residue are likely to be disease-causing. For these reasons, this variant has been classified as Pathogenic.

Blueprint Genetics
Classification: Likely pathogenic for KCNQ1-related disorders. Last evaluated: 2019-01-23. Review status: criteria provided, single submitter. Criteria: ACMG Guidelines, 2015. Collection method: clinical testing. Allele origin: germline. Affected: yes. Observed: 1 variant allele.

Cardiovascular Biomedical Research Unit, Royal Brompton & Harefield NHS Foundation Trust
No classification provided. Condition: Familial long QT syndrome. Review status: no classification provided. Collection method: literature only. Allele origin: germline. Not counted in ClinVar's aggregate classification.
Comment: This variant has been reported as associated with Long QT syndrome in the following publications (PMID:19490272). This is a literature report, and does not necessarily reflect the clinical interpretation of the Imperial College / Royal Brompton Cardiovascular Genetics laboratory.

Literature cited by the submitters: PubMed 19490272 (cited by Labcorp Genetics (formerly Invitae), Labcorp and Cardiovascular Biomedical Research Unit, Royal Brompton & Harefield NHS Foundation Trust); PubMed 10728423 (cited by Labcorp Genetics (formerly Invitae), Labcorp); PubMed 10973849 (cited by Labcorp Genetics (formerly Invitae), Labcorp); PubMed 12877697 (cited by Labcorp Genetics (formerly Invitae), Labcorp); PubMed 14678125 (cited by Labcorp Genetics (formerly Invitae), Labcorp); PubMed 23400408 (cited by Labcorp Genetics (formerly Invitae), Labcorp); PubMed 26022593 (cited by Labcorp Genetics (formerly Invitae), Labcorp); PubMed 22581653 (cited by Cardiovascular Biomedical Research Unit, Royal Brompton & Harefield NHS Foundation Trust).

NM_000218.3(KCNQ1):c.727C>A (p.Arg243Ser)

Gene: KCNQ1 (potassium voltage-gated channel subfamily Q member 1; plus strand). Cytogenetic location: 11p15.5.
Variant type: single nucleotide variant.
Coding change: c.727C>A on transcript NM_000218.3 (MANE Select); coding-DNA position 727, C replaced by A.
Protein change: p.Arg243Ser; replaces arginine 243 with serine.
Molecular consequence: missense variant.
Genome position (GRCh38, 1-based): chr11:2,572,056, C>A. VCF-style: chr11-2572056-C-A. GRCh37 (hg19) VCF-style: chr11-2593286-C-A.
Other names: c.727C>A (LRG_287t1); c.727C>A, p.Arg243Ser (NM_001406836.1); c.457C>A, p.Arg153Ser (NM_001406837.1); c.346C>A, p.Arg116Ser (NM_181798.2); short protein forms R243S, R116S, R153S.
Identifiers: ClinVar variation 67100 (VCV000067100.11), dbSNP rs199472713, ClinGen allele CA008003.